The following is an entry in ClinVar:

NM_000256.3(MYBPC3):c.1957G>A (p.Gly653Ser)

Gene: MYBPC3 (myosin binding protein C3; minus strand). Cytogenetic location: 11p11.2.
Variant type: single nucleotide variant.
Coding change: c.1957G>A on transcript NM_000256.3 (MANE Select); coding-DNA position 1957, G replaced by A.
Protein change: p.Gly653Ser; replaces glycine 653 with serine.
Molecular consequence: missense variant.
Genome position (GRCh38, 1-based): chr11:47,339,761, C>T on the plus strand (G>A on the coding strand, the complement: MYBPC3 is on the minus strand). VCF-style: chr11-47339761-C-T. GRCh37 (hg19) VCF-style: chr11-47361312-C-T.
Other names: short protein forms G653S.
Identifiers: ClinVar variation 3073890 (VCV003073890.5), dbSNP rs2495756467, ClinGen allele CA380321938.

ClinVar aggregate classification (germline): Uncertain significance. Review status: criteria provided, multiple submitters, no conflicts (2 of 4 stars). 4 submissions from 4 submitters: Uncertain significance (4). Last evaluated 2026-03-12.

Conditions:
Hypertrophic cardiomyopathy. Also called: HYPERTROPHIC MYOCARDIOPATHY. Identifiers: Orphanet 217569, MedGen C0007194, MeSH D002312, MONDO:0005045, HP:0001639.
Cardiovascular phenotype. Identifiers: MedGen CN230736.

Submissions (4):

Ambry Genetics
Classification: Uncertain significance for Cardiovascular phenotype. Last evaluated: 2026-03-12. Review status: criteria provided, single submitter. Criteria: Ambry Variant Classification Scheme 2023. Collection method: clinical testing. Allele origin: germline.
Comment: The p.G653S variant (also known as c.1957G>A), located in coding exon 21 of the MYBPC3 gene, results from a G to A substitution at nucleotide position 1957. The glycine at codon 653 is replaced by serine, an amino acid with similar properties. This amino acid position is conserved. In addition, this alteration is predicted to be tolerated by in silico analysis. Based on the available evidence, the clinical significance of this variant remains unclear.

GeneDx
Classification: Uncertain significance. Last evaluated: 2026-01-29. Review status: criteria provided, single submitter. Criteria: GeneDx Variant Classification Process June 2021. Collection method: clinical testing. Allele origin: germline.
Comment: Not observed at significant frequency in large population cohorts (gnomAD); In silico analysis supports that this missense variant has a deleterious effect on protein structure/function; Has not been previously published as pathogenic or benign to our knowledge

Labcorp Genetics (formerly Invitae), Labcorp
Classification: Uncertain significance for Hypertrophic cardiomyopathy. Last evaluated: 2024-03-21. Review status: criteria provided, single submitter. Criteria: Invitae Variant Classification Sherloc (09022015). Collection method: clinical testing. Allele origin: germline.
Comment: This sequence change replaces glycine, which is neutral and non-polar, with serine, which is neutral and polar, at codon 653 of the MYBPC3 protein (p.Gly653Ser). This variant is not present in population databases (gnomAD no frequency). This variant has not been reported in the literature in individuals affected with MYBPC3-related conditions. An algorithm developed to predict the effect of missense changes on protein structure and function (PolyPhen-2) suggests that this variant is likely to be disruptive. In summary, the available evidence is currently insufficient to determine the role of this variant in disease. Therefore, it has been classified as a Variant of Uncertain Significance.

All of Us Research Program, National Institutes of Health
Classification: Uncertain significance for Hypertrophic cardiomyopathy. Last evaluated: 2023-11-30. Review status: criteria provided, single submitter. Criteria: ACMG Guidelines, 2015. Collection method: clinical testing. Allele origin: germline. Inheritance: Autosomal dominant inheritance. Observed: 1 variant allele, 1 heterozygote.
Comment: This study involves interpretation of variants in research participants for the purpose of population health screening. Participant phenotype was not available at the time of variant classification. Additional details can be found in publication PMID: 35346344, PMCID: PMC8962531